The following is an entry in ClinVar:

ClinVar aggregate classification (germline): Pathogenic. Review status: criteria provided, multiple submitters, no conflicts (2 of 4 stars). 3 submissions from 3 submitters: Pathogenic (3). Last evaluated 2026-04-03.

Conditions:
Hereditary cancer-predisposing syndrome. Also called: Neoplastic Syndromes, Hereditary; Hereditary Cancer Syndrome; Tumor predisposition; Hereditary neoplastic syndrome. Identifiers: Orphanet 140162, MedGen C0027672, MeSH D009386, MONDO:0015356.

Submissions (3):

Ambry Genetics
Classification: Pathogenic for Hereditary cancer-predisposing syndrome. Last evaluated: 2026-04-03. Review status: criteria provided, single submitter. Criteria: Ambry Variant Classification Scheme 2023. Collection method: clinical testing. Allele origin: germline.
Comment: The c.316delG pathogenic mutation, located in coding exon 3 of the FH gene, results from a deletion of one nucleotide at nucleotide position 316, causing a translational frameshift with a predicted alternate stop codon (p.V106*). This variant is considered to be rare based on population cohorts in the Genome Aggregation Database (gnomAD). This alteration is expected to result in loss of function by premature protein truncation or nonsense-mediated mRNA decay. As such, this alteration is interpreted as a disease-causing mutation.

Labcorp Genetics (formerly Invitae), Labcorp
Classification: Pathogenic. Last evaluated: 2022-07-19. Review status: criteria provided, single submitter. Criteria: Invitae Variant Classification Sherloc (09022015). Collection method: clinical testing. Allele origin: germline.
Comment: For these reasons, this variant has been classified as Pathogenic. ClinVar contains an entry for this variant (Variation ID: 230443). This variant has not been reported in the literature in individuals affected with FH-related conditions. This variant is not present in population databases (gnomAD no frequency). This sequence change creates a premature translational stop signal (p.Val106*) in the FH gene. It is expected to result in an absent or disrupted protein product. Loss-of-function variants in FH are known to be pathogenic (PMID: 11865300, 21398687).

GeneDx
Classification: Pathogenic. Last evaluated: 2018-08-07. Review status: criteria provided, single submitter. Criteria: GeneDx Variant Classification (06012015). Collection method: clinical testing. Allele origin: germline. Affected: yes.
Comment: The c.316delG variant in the FH gene has not been reported previously as a pathogenic variant not as a benign variant, to our knowledge. However, this variant has been reported as pathogenic in ClinVar by a different clinical laboratory (ClinVar SCV000273996.1;Landrum et al., 2016). This variant is predicted to cause loss of normal protein function either through protein truncation or nonsense-mediated mRNA decay. The c.316delG variant replaces the Valine residue at position 106 with a premature Stop codon, denoted p.Val106Ter. Furthermore, the c.316delG variant was not observed in approximately 6,500 individuals of European and African American ancestry in the NHLBI Exome Sequencing Project, indicating it is not a common benign variant in these populations. Based on the currently available evidence, we consider c.316delG to be pathogenic.

Literature cited by the submitters: PubMed 11865300 (cited by Labcorp Genetics (formerly Invitae), Labcorp); PubMed 21398687 (cited by Labcorp Genetics (formerly Invitae), Labcorp).

NM_000143.4(FH):c.316del (p.Glu105_Val106insTer)

Gene: FH (fumarate hydratase; minus strand). Cytogenetic location: 1q43.
Variant type: Deletion.
Coding change: c.316del on transcript NM_000143.4 (MANE Select); coding-DNA position 316, one base deleted (G; older notation c.316delG).
Protein change: p.Glu105_Val106insTer.
Molecular consequence: nonsense.
Genome position (GRCh38, 1-based): chr1:241,513,665, C deleted on the plus strand (G on the coding strand, the reverse complement: FH is on the minus strand). VCF-style (leftmost placement, unchanged base first): chr1-241513664-AC-A. GRCh37 (hg19) VCF-style: chr1-241676964-AC-A.
Other names: c.316delG (NM_000143.3).
Identifiers: ClinVar variation 230443 (VCV000230443.15), dbSNP rs876658569, ClinGen allele CA10577688.
Genomic context (GRCh38, chr1:241,513,664, plus strand): 5'-TCATCTGCTGCCTTCATTATTGCATTAGCAATCTTTGGATCAAGACCATAATCCTGGTTT[AC>A]TTCAGCGGCCGCTCGCTTCAAGATGCCAAAAGCTTTAATAACTGGGGTCTAAAATTAATC-3'